The following is an entry in ClinVar:

ClinVar aggregate classification (germline): Pathogenic (0 of 4 stars; one submission).

Conditions:
Autosomal recessive nonsyndromic hearing loss 9. Also called: NEUROSENSORY NONSYNDROMIC RECESSIVE DEAFNESS 9; OTOF-Related Hearing Loss; Deafness, autosomal recessive 9; AUDITORY NEUROPATHY, AUTOSOMAL RECESSIVE, 1, TEMPERATURE-SENSITIVE. Identifiers: Orphanet 90636, MedGen C1832828, MONDO:0010986, OMIM 601071.

Submission:

Diagnosis and Treatment Center of Genetic Hearing Loss, Eye & ENT Hospital of Fudan University
Classification: Pathogenic for Autosomal recessive nonsyndromic hearing loss 9. Last evaluated: 2026-02-04. Review status: no assertion criteria provided. Collection method: clinical testing. Allele origin: germline. Inheritance: Autosomal recessive inheritance. Affected: yes.
Comment: A deletion of approximately 56.27 kb at chr2:26624837-26681108 (GRCh37) encompasses the last exon (exon 46) of OTOF and the downstream region, including DRC1 (PVS1). It is absent from the Database of Genomic Variants (PM2_Supporting). It was found in trans with pathogenic c.2610_2615dup (PM3). The phenotype is consistent with auditory neuropathy (PP4).

Single allele

Genes: DRC1 (dynein regulatory complex subunit 1; plus strand), OTOF (otoferlin; minus strand). Cytogenetic location: 2p23.3.
Variant type: Deletion.
Identifiers: ClinVar variation 4879924 (VCV004879924.1).